The following is an entry in ClinVar:

ClinVar aggregate classification (germline): Pathogenic (1 of 4 stars; one submission).

Submission:

GeneDx
Classification: Pathogenic. Last evaluated: 2025-12-22. Review status: criteria provided, single submitter. Criteria: GeneDx Variant Classification Process June 2021. Collection method: clinical testing. Allele origin: germline. Affected: yes.
Comment: Frameshift variant predicted to result in protein truncation or nonsense mediated decay in a gene for which loss of function is a known mechanism of disease; Not observed at significant frequency in large population cohorts (gnomAD); This variant is associated with the following publications: (PMID: 33057194)

NM_001456.3(FLNA):c.2828del

Gene: FLNA (filamin A; minus strand). Cytogenetic location: Xq28.
Variant type: Deletion.
Coding change: c.2828del on transcript NM_001456.3; coding-DNA position 2828, one base deleted (G; older notation c.2828delG).
Genome position (GRCh38, 1-based): chrX:154,361,786, C deleted on the plus strand (G on the coding strand, the reverse complement: FLNA is on the minus strand); the first of 3 consecutive C bases (chrX:154,361,786-154,361,788); deleting any one gives the same sequence. VCF-style (leftmost placement, unchanged base first): chrX-154361785-AC-A. GRCh37 (hg19) VCF-style: chrX-153590153-AC-A.
Other names: c.2828delG (NM_001456.3).
Identifiers: ClinVar variation 373811 (VCV000373811.4), dbSNP rs1057518626, ClinGen allele CA16043288.